The following is an entry in ClinVar:

ClinVar aggregate classification (germline): Pathogenic (1 of 4 stars; one submission).

Submission:

Labcorp Genetics (formerly Invitae), Labcorp
Classification: Pathogenic. Last evaluated: 2023-04-24. Review status: criteria provided, single submitter. Criteria: Invitae Variant Classification Sherloc (09022015). Collection method: clinical testing. Allele origin: germline.
Comment: This variant is not present in population databases (gnomAD no frequency). This sequence change creates a premature translational stop signal (p.Asn391Lysfs*34) in the GALNT3 gene. It is expected to result in an absent or disrupted protein product. Loss-of-function variants in GALNT3 are known to be pathogenic (PMID: 15133511, 20358599). For these reasons, this variant has been classified as Pathogenic. This variant has not been reported in the literature in individuals affected with GALNT3-related conditions.

Literature cited by the submitters: PubMed 15133511; PubMed 20358599.

NM_004482.4(GALNT3):c.1172dup (p.Asn391fs)

Gene: GALNT3 (polypeptide N-acetylgalactosaminyltransferase 3; minus strand). Cytogenetic location: 2q24.3.
Variant type: Duplication.
Coding change: c.1172dup on transcript NM_004482.4 (MANE Select); coding-DNA position 1172, one base duplicated (A; older notation c.1172dupA).
Protein change: p.Asn391fs; shifts the reading frame from asparagine 391.
Molecular consequence: frameshift variant.
Genome position (GRCh38, 1-based): chr2:165,758,766, T duplicated on the plus strand (A on the coding strand, the reverse complement: GALNT3 is on the minus strand); the first of 4 consecutive T bases (chr2:165,758,766-165,758,769); duplicating any one gives the same sequence. VCF-style (leftmost placement, unchanged base first): chr2-165758765-A-AT. GRCh37 (hg19) VCF-style: chr2-166615275-A-AT.
Other names: short protein forms N391fs.
Identifiers: ClinVar variation 2805387 (VCV002805387.3), dbSNP rs2467869449, ClinGen allele CA2739271466.